The following is an entry in ClinVar:

NM_007194.4(CHEK2):c.1500T>C (p.Ser500=)

Gene: CHEK2 (checkpoint kinase 2; minus strand). Cytogenetic location: 22q12.1.
Variant type: single nucleotide variant.
Coding change: c.1500T>C on transcript NM_007194.4 (MANE Select); coding-DNA position 1500, T replaced by C.
Protein change: p.Ser500=; no amino-acid change (serine 500 retained).
Molecular consequence: synonymous variant.
Genome position (GRCh38, 1-based): chr22:28,689,177, A>G on the plus strand (T>C on the coding strand, the complement: CHEK2 is on the minus strand). VCF-style: chr22-28689177-A-G. GRCh37 (hg19) VCF-style: chr22-29085165-A-G.
Other names: c.1629T>C, p.Ser543= (NM_001005735.3); c.837T>C, p.Ser279= (NM_001257387.3); c.1299T>C, p.Ser433= (NM_001349956.3); c.1413T>C, p.Ser471= (NM_145862.3).
Identifiers: ClinVar variation 382259 (VCV000382259.20), dbSNP rs1057521300, ClinGen allele CA16608133.

ClinVar aggregate classification (germline): Benign/Likely benign. Review status: criteria provided, multiple submitters, no conflicts (2 of 4 stars). 5 submissions from 5 submitters: Benign (1); Likely benign (4). Last evaluated 2025-11-05.

Conditions:
Hereditary cancer-predisposing syndrome. Also called: Tumor predisposition; Hereditary neoplastic syndrome; Neoplastic Syndromes, Hereditary; Hereditary Cancer Syndrome. Identifiers: Orphanet 140162, MedGen C0027672, MeSH D009386, MONDO:0015356.
Familial cancer of breast. Also called: hereditary breast carcinoma; Hereditary breast cancer; BREAST CANCER, FAMILIAL. Identifiers: Orphanet 227535, MedGen C0346153, MONDO:0016419, OMIM 114480. Disease mechanism: loss of function.

Allele frequency attached by ClinVar (database versions not stated): gnomAD exomes below 0.00001.
gnomAD v4.1: 3 of 1,595,158 alleles (0.00019%); highest among the groups gnomAD compares: Non-Finnish European, 0.00017%; no homozygotes.

Submissions (5):

Labcorp Genetics (formerly Invitae), Labcorp
Classification: Likely benign for Familial cancer of breast. Last evaluated: 2025-11-05. Review status: criteria provided, single submitter. Criteria: Invitae Variant Classification Sherloc (09022015). Collection method: clinical testing. Allele origin: germline.

Myriad Genetics, Inc.
Classification: Benign for Familial cancer of breast. Last evaluated: 2024-10-08. Review status: criteria provided, single submitter. Criteria: Myriad Autosomal Dominant, Autosomal Recessive and X-Linked Classification Criteria (2023). Collection method: clinical testing. Allele origin: unknown.
Comment: This variant is considered benign. This variant is a silent/synonymous amino acid change and it is not expected to impact splicing.

Ambry Genetics
Classification: Likely benign for Hereditary cancer-predisposing syndrome. Last evaluated: 2016-11-23. Review status: criteria provided, single submitter. Criteria: Ambry Variant Classification Scheme 2023. Collection method: clinical testing. Allele origin: germline.

Color Diagnostics, LLC DBA Color Health
Classification: Likely benign for Hereditary cancer-predisposing syndrome. Last evaluated: 2016-06-27. Review status: criteria provided, single submitter. Criteria: ACMG Guidelines, 2015. Collection method: clinical testing. Allele origin: germline.

GeneDx
Classification: Likely benign. Last evaluated: 2015-12-14. Review status: criteria provided, single submitter. Criteria: GeneDx Variant Classification (06012015). Collection method: clinical testing. Allele origin: germline. Affected: yes.
Comment: This variant is considered likely benign or benign based on one or more of the following criteria: it is a conservative change, it occurs at a poorly conserved position in the protein, it is predicted to be benign by multiple in silico algorithms, and/or has population frequency not consistent with disease.